The following is an entry in ClinVar:

NM_004586.3(RPS6KA3):c.875G>A (p.Ser292Asn)

Gene: RPS6KA3 (ribosomal protein S6 kinase A3; minus strand). Cytogenetic location: Xp22.12.
Variant type: single nucleotide variant.
Coding change: c.875G>A on transcript NM_004586.3 (MANE Select); coding-DNA position 875, G replaced by A.
Protein change: p.Ser292Asn; replaces serine 292 with asparagine.
Molecular consequence: missense variant.
Genome position (GRCh38, 1-based): chrX:20,177,055, C>T on the plus strand (G>A on the coding strand, the complement: RPS6KA3 is on the minus strand). VCF-style: chrX-20177055-C-T. GRCh37 (hg19) VCF-style: chrX-20195173-C-T.
Other names: c.791G>A, p.Ser264Asn (NM_001438340.1); short protein forms S292N, S264N.
Identifiers: ClinVar variation 4783718 (VCV004783718.1).

ClinVar aggregate classification (germline): Uncertain significance (1 of 4 stars; one submission).

Conditions:
Intellectual developmental disorder, X-linked 19. Also called: Intellectual disability, X-linked 19. Identifiers: Orphanet 777, MedGen C0796225, MONDO:0010447, OMIM 300844.
Coffin-Lowry syndrome (CLS). Also called: Mental retardation with osteocartilaginous abnormalities; COFFIN-LOWRY SYNDROME, MILD. Identifiers: Orphanet 192, MedGen C0265252, MONDO:0010561, OMIM 303600.

Submission:

Labcorp Genetics (formerly Invitae), Labcorp
Classification: Uncertain significance for Coffin-Lowry syndrome; Intellectual developmental disorder, X-linked 19. Last evaluated: 2025-07-04. Review status: criteria provided, single submitter. Criteria: Invitae Variant Classification Sherloc (09022015). Collection method: clinical testing. Allele origin: germline.
Comment: This sequence change replaces serine, which is neutral and polar, with asparagine, which is neutral and polar, at codon 292 of the RPS6KA3 protein (p.Ser292Asn). This variant is not present in population databases (gnomAD no frequency). This variant has not been reported in the literature in individuals affected with RPS6KA3-related conditions. Invitae Evidence Modeling of protein sequence and biophysical properties (such as structural, functional, and spatial information, amino acid conservation, physicochemical variation, residue mobility, and thermodynamic stability) indicates that this missense variant is expected to disrupt RPS6KA3 protein function with a positive predictive value of 95%. In summary, the available evidence is currently insufficient to determine the role of this variant in disease. Therefore, it has been classified as a Variant of Uncertain Significance.